The following is an entry in ClinVar:

NM_001366145.2(TRPM3):c.3906G>A (p.Thr1302=)

Genes: KLF9-DT (KLF9 divergent transcript; plus strand), TRPM3 (transient receptor potential cation channel subfamily M member 3; minus strand). Cytogenetic location: 9q21.12.
Variant type: single nucleotide variant.
Coding change: c.3906G>A on transcript NM_001366145.2 (MANE Select); coding-DNA position 3906, G replaced by A.
Protein change: p.Thr1302=; no amino-acid change (threonine 1302 retained).
Molecular consequence: synonymous variant.
Genome position (GRCh38, 1-based): chr9:70,537,207, C>T on the plus strand (G>A on the coding strand, the complement: TRPM3 is on the minus strand). VCF-style: chr9-70537207-C-T. GRCh37 (hg19) VCF-style: chr9-73152123-C-T.
Other names: c.3870G>A, p.Thr1290= (NM_001007471.4, NM_001366151.2); c.3876G>A, p.Thr1292= (NM_001366141.2, NM_001366143.2, NM_001366149.2); c.3912G>A, p.Thr1304= (NM_001366142.2); c.3906G>A, p.Thr1302= (NM_001366146.2); c.3981G>A, p.Thr1327= (NM_001366147.2, NM_001366152.2); c.3951G>A, p.Thr1317= (NM_001366148.2); c.3840G>A, p.Thr1280= (NM_001366150.2); c.3447G>A, p.Thr1149= (NM_001366154.2, NM_024971.7); and 5 more.
Identifiers: ClinVar variation 4681364 (VCV004681364.6).
Genomic context (GRCh38, chr9:70,537,207, plus strand): 5'-CTTGAAGGTGTTCCCTTCCTGGCTGTTGAAGCTGCTCTGACGGACAATGTAGGCGGCGTC[C>T]GTGCAGTCTGACGAGGTCCTCGAGCGGATTTTGTTGGACTCGGCCCGCTCCAGACCTGTC-3'
Protein context (NP_001353074.1, residues 1292-1312): KIRSRTSSDC[Thr1302=]DAAYIVRQSS

ClinVar aggregate classification (germline): Likely benign. Review status: criteria provided, multiple submitters, no conflicts (2 of 4 stars). 2 submissions from 2 submitters: Likely benign (2). Last evaluated 2026-09-01.

gnomAD v4.1: 69 of 1,595,652 alleles (0.0043%); highest among the groups gnomAD compares: Admixed American, 0.095%; 1 homozygote.

Submissions (2):

CeGaT Center for Human Genetics Tuebingen
Classification: Likely benign. Last evaluated: 2026-09-01. Review status: criteria provided, single submitter. Criteria: CeGaT Center For Human Genetics Tuebingen Variant Classification Criteria Version 2. Collection method: clinical testing. Allele origin: germline. Affected: yes. Observed: 2 variant alleles.
Comment: TRPM3: BP4, BP7

Blueprint Genetics
Classification: Likely benign. Last evaluated: 2020-02-25. Review status: criteria provided, single submitter. Criteria: ACMG Guidelines, 2015. Collection method: clinical testing. Allele origin: germline.